The following is an entry in ClinVar:

ClinVar aggregate classification (germline): Uncertain significance (1 of 4 stars; one submission).

Conditions:
MED13-related disorder. Also called: MED13-related condition.

gnomAD v4.1: 1 of 1,614,158 alleles (0.000062%); highest among the groups gnomAD compares: Non-Finnish European, 0.000085%; no homozygotes.

Submission:

PreventionGenetics, part of Exact Sciences
Classification: Uncertain significance for MED13-related condition. Last evaluated: 2025-12-18. Review status: criteria provided, single submitter. Criteria: ACMG Guidelines, 2015. Collection method: clinical testing. Allele origin: germline.
Comment: The MED13 c.1754C>G variant is predicted to result in the amino acid substitution p.Ser585Cys. To our knowledge, this variant has not been reported in the literature or in a large population database (gnomAD), indicating this variant is rare. At this time, the clinical significance of this variant is uncertain due to the absence of conclusive functional and genetic evidence.

NM_005121.3(MED13):c.1754C>G (p.Ser585Cys)

Gene: MED13 (mediator complex subunit 13; minus strand). Cytogenetic location: 17q23.2.
Variant type: single nucleotide variant.
Coding change: c.1754C>G on transcript NM_005121.3 (MANE Select); coding-DNA position 1754, C replaced by G.
Protein change: p.Ser585Cys; replaces serine 585 with cysteine.
Molecular consequence: missense variant.
Genome position (GRCh38, 1-based): chr17:62,010,763, G>C on the plus strand (C>G on the coding strand, the complement: MED13 is on the minus strand). VCF-style: chr17-62010763-G-C. GRCh37 (hg19) VCF-style: chr17-60088124-G-C.
Other names: short protein forms S585C.
Identifiers: ClinVar variation 2630825 (VCV002630825.2), dbSNP rs2509331224, ClinGen allele CA400518199.
Genomic context (GRCh38, chr17:62,010,763, plus strand): 5'-TTTACTGCTGTACCAACATATACTGTAGGTTCTACAGCTTCCTGATATTGAGGTGGGAAA[G>C]ACTGGGACAAACTGTCTATCCTATCTTCCATTGGTTTAGAAGGAACCAAGGGATCTGGTG-3'
Protein context (NP_005112.2, residues 575-595): MEDRIDSLSQ[Ser585Cys]FPPQYQEAVE